The following is an entry in ClinVar:

ClinVar aggregate classification (germline): Uncertain significance (1 of 4 stars; one submission).

Conditions:
Hereditary cancer-predisposing syndrome. Also called: Neoplastic Syndromes, Hereditary; Tumor predisposition; Hereditary Cancer Syndrome; Hereditary neoplastic syndrome. Identifiers: Orphanet 140162, MedGen C0027672, MeSH D009386, MONDO:0015356.

Submission:

Ambry Genetics
Classification: Uncertain significance for Hereditary cancer-predisposing syndrome. Last evaluated: 2026-01-14. Review status: criteria provided, single submitter. Criteria: Ambry Variant Classification Scheme 2023. Collection method: clinical testing. Allele origin: germline.
Comment: The p.E304K variant (also known as c.910G>A), located in coding exon 9 of the FANCC gene, results from a G to A substitution at nucleotide position 910. The glutamic acid at codon 304 is replaced by lysine, an amino acid with similar properties. This amino acid position is conserved. In addition, this alteration is predicted to be deleterious by in silico analysis. Based on the available evidence, the clinical significance of this variant remains unclear.

NM_000136.3(FANCC):c.910G>A (p.Glu304Lys)

Genes: AOPEP (aminopeptidase O (putative); plus strand), FANCC (FA complementation group C; minus strand). Cytogenetic location: 9q22.32.
Variant type: single nucleotide variant.
Coding change: c.910G>A on transcript NM_000136.3 (MANE Select); coding-DNA position 910, G replaced by A.
Protein change: p.Glu304Lys; replaces glutamic acid 304 with lysine.
Molecular consequence: missense variant.
Genome position (GRCh38, 1-based): chr9:95,125,172, C>T on the plus strand (G>A on the coding strand, the complement: FANCC is on the minus strand). VCF-style: chr9-95125172-C-T. GRCh37 (hg19) VCF-style: chr9-97887454-C-T.
Other names: c.910G>A, p.Glu304Lys (NM_001243743.2, NM_001243744.2); short protein forms E304K.
Identifiers: ClinVar variation 4842792 (VCV004842792.1).